The following is an entry in ClinVar:

ClinVar aggregate classification (germline): Uncertain significance (1 of 4 stars; one submission).

Submission:

GeneDx
Classification: Uncertain significance. Last evaluated: 2026-04-14. Review status: criteria provided, single submitter. Criteria: GeneDx Variant Classification Process June 2021. Collection method: clinical testing. Allele origin: germline.
Comment: Not observed at significant frequency in large population cohorts (gnomAD); In silico analysis supports that this missense variant has a deleterious effect on protein structure/function; Has not been previously published as pathogenic or benign to our knowledge

NM_181675.4(PPP2R2B):c.625A>G (p.Asn209Asp)

Gene: PPP2R2B (protein phosphatase 2 regulatory subunit Bbeta; minus strand). Cytogenetic location: 5q32.
Variant type: single nucleotide variant.
Coding change: c.625A>G on transcript NM_181675.4 (MANE Select); coding-DNA position 625, A replaced by G.
Protein change: p.Asn209Asp; replaces asparagine 209 with aspartic acid.
Molecular consequence: missense variant.
Genome position (GRCh38, 1-based): chr5:146,650,547, T>C on the plus strand (A>G on the coding strand, the complement: PPP2R2B is on the minus strand). VCF-style: chr5-146650547-T-C. GRCh37 (hg19) VCF-style: chr5-146030110-T-C.
Other names: c.643A>G, p.Asn215Asp (NM_001271899.1); c.799A>G, p.Asn267Asp (NM_001271900.2); c.592A>G, p.Asn198Asp (NM_001271948.2, NM_181678.2); c.625A>G, p.Asn209Asp (NM_001428277.1, NM_001428279.1); c.823A>G, p.Asn275Asp (NM_181674.3); c.634A>G, p.Asn212Asp (NM_181676.3); c.565A>G, p.Asn189Asp (NM_181677.2); short protein forms N189D, N198D, N209D, N212D, N215D, N267D, N275D.
Identifiers: ClinVar variation 5037186 (VCV005037186.1).